The following is an entry in ClinVar:

ClinVar aggregate classification (germline): Uncertain significance (0 of 4 stars; one submission).

Conditions:
LOX-related disorder. Also called: LOX-related disorders; LOX-related condition.

Submission:

PreventionGenetics, part of Exact Sciences
Classification: Uncertain significance for LOX-related condition. Last evaluated: 2024-05-01. Review status: no assertion criteria provided. Collection method: clinical testing. Allele origin: germline.
Comment: The LOX c.22C>T variant is predicted to result in the amino acid substitution p.Leu8Phe. To our knowledge, this variant has not been reported in the literature or in a large population database, indicating this variant is rare. At this time, the clinical significance of this variant is uncertain due to the absence of conclusive functional and genetic evidence.

NM_002317.7(LOX):c.22C>T (p.Leu8Phe)

Genes: LOX (lysyl oxidase; minus strand), SRFBP1 (serum response factor binding protein 1; plus strand). Cytogenetic location: 5q23.1.
Variant type: single nucleotide variant.
Coding change: c.22C>T on transcript NM_002317.7 (MANE Select); coding-DNA position 22, C replaced by T.
Protein change: p.Leu8Phe; replaces leucine 8 with phenylalanine.
Molecular consequence: missense variant.
Genome position (GRCh38, 1-based): chr5:122,077,964, G>A on the plus strand (C>T on the coding strand, the complement: LOX is on the minus strand). VCF-style: chr5-122077964-G-A. GRCh37 (hg19) VCF-style: chr5-121413659-G-A.
Other names: short protein forms L8F.
Identifiers: ClinVar variation 3347451 (VCV003347451.1).